The following is an entry in ClinVar:

NM_032531.4(KIRREL3):c.1983G>A (p.Leu661=)

Gene: KIRREL3 (kirre like nephrin family adhesion molecule 3; minus strand). Cytogenetic location: 11q24.2.
Variant type: single nucleotide variant.
Coding change: c.1983G>A on transcript NM_032531.4 (MANE Select); coding-DNA position 1983, G replaced by A.
Protein change: p.Leu661=; no amino-acid change (leucine 661 retained).
Molecular consequence: synonymous variant.
Genome position (GRCh38, 1-based): chr11:126,424,934, C>T on the plus strand (G>A on the coding strand, the complement: KIRREL3 is on the minus strand). VCF-style: chr11-126424934-C-T. GRCh37 (hg19) VCF-style: chr11-126294829-C-T.
Other names: c.1947G>A, p.Leu649= (NM_001301097.2).
Identifiers: ClinVar variation 211304 (VCV000211304.46), dbSNP rs375855596, ClinGen allele CA207182.

ClinVar aggregate classification (germline): Benign/Likely benign. Review status: criteria provided, multiple submitters, no conflicts (2 of 4 stars). 5 submissions from 5 submitters: Benign (2); Likely benign (3). Last evaluated 2024-10-30.

Allele frequency attached by ClinVar (database versions not stated): 1000 Genomes Project 30x 0.00094; 1000 Genomes Project 0.00120; TOPMed 0.00191; gnomAD 0.00203 and 0.00217; ESP Exome Variant Server 0.00212; gnomAD exomes 0.00231; ExAC 0.00260.
gnomAD v4.1: 4,316 of 1,601,340 alleles (0.27%); highest among the groups gnomAD compares: Non-Finnish European, 0.3%; 10 homozygotes.

Submissions (5):

Blueprint Genetics
Classification: Benign. Last evaluated: 2024-10-30. Review status: criteria provided, single submitter. Criteria: ACMG Guidelines, 2015. Collection method: clinical testing. Allele origin: germline.

CeGaT Center for Human Genetics Tuebingen
Classification: Likely benign. Last evaluated: 2023-02-01. Review status: criteria provided, single submitter. Criteria: CeGaT Center For Human Genetics Tuebingen Variant Classification Criteria Version 2. Collection method: clinical testing. Allele origin: germline. Affected: yes. Observed: 4 variant alleles.
Comment: KIRREL3: BP4, BP7

Labcorp Genetics (formerly Invitae), Labcorp
Classification: Benign. Last evaluated: 2019-12-31. Review status: criteria provided, single submitter. Criteria: Invitae Variant Classification Sherloc (09022015). Collection method: clinical testing. Allele origin: germline.

Genetic Services Laboratory, University of Chicago
Classification: Likely benign. Last evaluated: 2015-07-20. Review status: criteria provided, single submitter. Criteria: ACMG Guidelines, 2015. Collection method: clinical testing. Allele origin: germline.

Breakthrough Genomics
Classification: Likely benign. Review status: criteria provided, single submitter. Criteria: ACMG Guidelines, 2015. Collection method: not provided. Allele origin: germline. Inheritance: Unknown mechanism. Affected: yes.